The following is an entry in ClinVar:

ClinVar aggregate classification (germline): Uncertain significance (1 of 4 stars; one submission).

Conditions:
Joubert syndrome 21 (JBTS21). Identifiers: MedGen C3810212, MONDO:0014288, OMIM 615636.

Allele frequency attached by ClinVar (database versions not stated): gnomAD exomes 0.00001 and 0.00003; ExAC 0.00004; TOPMed 0.00001.
gnomAD v4.1: 22 of 1,614,006 alleles (0.0014%); highest among the groups gnomAD compares: East Asian, 0.0022%; no homozygotes.

Submission:

Labcorp Genetics (formerly Invitae), Labcorp
Classification: Uncertain significance for Joubert syndrome 21. Last evaluated: 2024-10-29. Review status: criteria provided, single submitter. Criteria: Invitae Variant Classification Sherloc (09022015). Collection method: clinical testing. Allele origin: germline.
Comment: This sequence change replaces arginine, which is basic and polar, with cysteine, which is neutral and slightly polar, at codon 1182 of the CSPP1 protein (p.Arg1182Cys). This variant is present in population databases (rs781579090, gnomAD 0.01%). This variant has not been reported in the literature in individuals affected with CSPP1-related conditions. ClinVar contains an entry for this variant (Variation ID: 1428706). An algorithm developed to predict the effect of missense changes on protein structure and function (PolyPhen-2) suggests that this variant is likely to be disruptive. In summary, the available evidence is currently insufficient to determine the role of this variant in disease. Therefore, it has been classified as a Variant of Uncertain Significance.

NM_001382391.1(CSPP1):c.3559C>T (p.Arg1187Cys)

Genes: ARFGEF1 (ARF guanine nucleotide exchange factor 1; minus strand), CSPP1 (centrosome and spindle pole associated protein 1; plus strand). Cytogenetic location: 8q13.2.
Variant type: single nucleotide variant.
Coding change: c.3559C>T on transcript NM_001382391.1 (MANE Select); coding-DNA position 3559, C replaced by T.
Protein change: p.Arg1187Cys; replaces arginine 1187 with cysteine.
Molecular consequence: missense variant. On other transcripts: intron variant (2), 3 prime UTR variant (1).
Genome position (GRCh38, 1-based): chr8:67,195,471, C>T. VCF-style: chr8-67195471-C-T. GRCh37 (hg19) VCF-style: chr8-68107706-C-T.
Other names: c.2860C>T, p.Arg954Cys (NM_001438332.1); c.3544C>T, p.Arg1182Cys (NM_024790.7); c.5367+4925G>A (NM_001413186.1); c.5385+4925G>A (NM_001413187.1); c.2509C>T, p.Arg837Cys (NM_001291339.2); c.3478C>T, p.Arg1160Cys (NM_001363131.2); c.3364C>T, p.Arg1122Cys (NM_001363132.2); c.3283C>T, p.Arg1095Cys (NM_001363133.2); and 4 more; short protein forms R1122C, R1149C, R1095C, R1160C, R1187C, R837C, R1182C, R1209C.
Identifiers: ClinVar variation 1428706 (VCV001428706.5), dbSNP rs781579090, ClinGen allele CA4771211.